The following is an entry in ClinVar:

NM_015443.4(KANSL1):c.37G>A (p.Ala13Thr)

Gene: KANSL1 (KAT8 regulatory NSL complex subunit 1). Cytogenetic location: 17q21.31.
Variant type: single nucleotide variant.
Coding change: c.37G>A on transcript NM_015443.4 (MANE Select); coding-DNA position 37, G replaced by A.
Protein change: p.Ala13Thr; replaces alanine 13 with threonine.
Molecular consequence: missense variant.
Genome position (GRCh38, 1-based): chr17:46,172,107, C>T on the plus strand (G>A on the coding strand, the complement: KANSL1 is on the minus strand). VCF-style: chr17-46172107-C-T. GRCh37 (hg19) VCF-style: chr17-44249473-C-T.
Other names: p.A13T:GCT>ACT; c.37G>A, p.Ala13Thr (NM_001193465.2, NM_001193466.2, NM_001379198.1); short protein forms A13T.
Identifiers: ClinVar variation 205761 (VCV000205761.6), dbSNP rs528026295, ClinGen allele CA315148.
Genomic context (GRCh38, chr17:46,172,107, plus strand): 5'-TGCCAGGGGACAAGGTAGAGGATGGGGGAGCCAGTTTGAACCGGATATGGTGTGCTTCAG[C>T]TGCTGCGTCAGTGAGAGCGGGCGCCATCGCAGCCATTCAGCACAGAGAGACAGGAAGTCC-3'
Protein context (NP_056258.1, residues 3-23): AMAPALTDAA[Ala13Thr]EAHHIRFKLA

ClinVar aggregate classification (germline): Conflicting classifications of pathogenicity. Review status: criteria provided, conflicting classifications (1 of 4 stars). 3 submissions from 3 submitters: Uncertain significance (2); Likely benign (1). Last evaluated 2024-06-20.

Conditions:
Koolen-de Vries syndrome (KDVS). Identifiers: Orphanet 96169, MedGen C1864871, MONDO:0012496, OMIM 610443.

Allele frequency attached by ClinVar (database versions not stated): gnomAD exomes below 0.00001; TOPMed below 0.00001; ExAC 0.00001; gnomAD 0.00001; 1000 Genomes Project 30x 0.00016; 1000 Genomes Project 0.00020.
gnomAD v4.1: 1 of 1,610,762 alleles (0.000062%); highest among the groups gnomAD compares: African/African-American, 0.0013%; no homozygotes.

Submissions (3):

Fulgent Genetics
Classification: Uncertain significance for Koolen-de Vries syndrome. Last evaluated: 2024-06-20. Review status: criteria provided, single submitter. Criteria: ACMG Guidelines, 2015. Collection method: clinical testing. Allele origin: germline.

Labcorp Genetics (formerly Invitae), Labcorp
Classification: Uncertain significance for Koolen-de Vries syndrome. Last evaluated: 2021-07-08. Review status: criteria provided, single submitter. Criteria: Invitae Variant Classification Sherloc (09022015). Collection method: clinical testing. Allele origin: germline.
Comment: Due to the possible presence of a polymorphic segmental duplication, the location of the variant could not be unambiguously resolved. Variants with ambiguous mapping are still reported relative to the KANSL1 transcript. This sequence change replaces alanine with threonine at codon 13 of the KANSL1 protein (p.Ala13Thr). The alanine residue is highly conserved and there is a small physicochemical difference between alanine and threonine. The frequency data for this variant in the population databases (ExAC) is considered unreliable due to the presence of homologous sequence, such as pseudogenes or paralogs, in the genome. This variant has not been reported in the literature in individuals with KANSL1-related conditions. ClinVar contains an entry for this variant (Variation ID: 205761). Algorithms developed to predict the effect of missense changes on protein structure and function are either unavailable or do not agree on the potential impact of this missense change (SIFT: "Deleterious"; PolyPhen-2: "Not Available"; Align-GVGD: "Class C55"). Until the location of this sequence change can be resolved, the clinical significance of this variant remains uncertain. It has been classified as a Variant of Uncertain Significance.

GeneDx
Classification: Likely benign. Last evaluated: 2021-02-02. Review status: criteria provided, single submitter. Criteria: GeneDx Variant Classification Process June 2021. Collection method: clinical testing. Allele origin: germline. Affected: yes.
Comment: In silico analysis supports that this missense variant does not alter protein structure/function